The following is an entry in ClinVar:

ClinVar aggregate classification (germline): Benign/Likely benign. Review status: criteria provided, multiple submitters, no conflicts (2 of 4 stars). 2 submissions from 2 submitters: Benign (1); Likely benign (1). Last evaluated 2025-05-08.

Conditions:
Tuberous sclerosis 2 (TSC2). Identifiers: Orphanet 805, MedGen C1860707, MONDO:0013199, OMIM 613254.

Allele frequency attached by ClinVar (database versions not stated): gnomAD exomes 0.00001 and 0.00002; ExAC 0.00002.
gnomAD v4.1: 9 of 1,609,398 alleles (0.00056%); highest among the groups gnomAD compares: South Asian, 0.0099%; no homozygotes.

Submissions (2):

Myriad Genetics, Inc.
Classification: Benign for Tuberous sclerosis 2. Last evaluated: 2025-05-08. Review status: criteria provided, single submitter. Criteria: Myriad Autosomal Dominant, Autosomal Recessive and X-Linked Classification Criteria (2023). Collection method: clinical testing. Allele origin: unknown.
Comment: This variant is considered benign. This variant is intronic and is not expected to impact mRNA splicing. This variant has been observed at a population frequency that is significantly greater than expected given the associated disease prevalence and penetrance.

Labcorp Genetics (formerly Invitae), Labcorp
Classification: Likely benign for Tuberous sclerosis 2. Last evaluated: 2024-06-19. Review status: criteria provided, single submitter. Criteria: Invitae Variant Classification Sherloc (09022015). Collection method: clinical testing. Allele origin: germline.

NM_000548.5(TSC2):c.649-8T>C

Gene: TSC2 (TSC complex subunit 2; plus strand). Cytogenetic location: 16p13.3.
Variant type: single nucleotide variant.
Coding change: c.649-8T>C on transcript NM_000548.5 (MANE Select); 8 bases into the intron before coding-DNA position 649, T replaced by C.
Molecular consequence: intron variant.
Genome position (GRCh38, 1-based): chr16:2,056,636, T>C. VCF-style: chr16-2056636-T-C. GRCh37 (hg19) VCF-style: chr16-2106637-T-C.
Other names: c.649-8T>C (NM_001114382.3, NM_021055.3, NM_001370405.1 and 3 more transcripts); c.538-8T>C (NM_001318827.2); c.49-8T>C (NM_001318831.2); c.502-8T>C (NM_001318829.2); c.682-8T>C (NM_001318832.2).
Identifiers: ClinVar variation 1104656 (VCV001104656.10), dbSNP rs769803918, ClinGen allele CA056032.
Genomic context (GRCh38, chr16:2,056,636, plus strand): 5'-CCTGGGTGTCCTCTCCTGTGGGGAGGAGCTGGGGTAGGACGGGCGTGAGCCGTCTCCCTC[T>C]CCACCAGGTCTCCCTGCAGGTGCTGGACGCCGTGGTCTGCTACAACTGCCTGCCGGCTGA-3'